The following is an entry in ClinVar:

NM_005445.4(SMC3):c.512G>A (p.Arg171Gln)

Gene: SMC3 (structural maintenance of chromosomes 3; plus strand). Cytogenetic location: 10q25.2.
Variant type: single nucleotide variant.
Coding change: c.512G>A on transcript NM_005445.4 (MANE Select); coding-DNA position 512, G replaced by A.
Protein change: p.Arg171Gln; replaces arginine 171 with glutamine.
Molecular consequence: missense variant.
Genome position (GRCh38, 1-based): chr10:110,580,986, G>A. VCF-style: chr10-110580986-G-A. GRCh37 (hg19) VCF-style: chr10-112340744-G-A.
Other names: short protein forms R171Q.
Identifiers: ClinVar variation 3897388 (VCV003897388.1).

ClinVar aggregate classification (germline): Uncertain significance (1 of 4 stars; one submission).

Submission:

GeneDx
Classification: Uncertain significance. Last evaluated: 2024-10-29. Review status: criteria provided, single submitter. Criteria: GeneDx Variant Classification Process June 2021. Collection method: clinical testing. Allele origin: germline. Affected: yes.
Comment: Not observed at significant frequency in large population cohorts (gnomAD); In silico analysis supports that this missense variant has a deleterious effect on protein structure/function; Has not been previously published as pathogenic or benign to our knowledge